The following is an entry in ClinVar:

ClinVar aggregate classification (germline): Pathogenic (1 of 4 stars; one submission).

Conditions:
BAP1-related tumor predisposition syndrome (TPDS1). Also called: Tumor susceptibility linked to germline BAP1 mutations; BAP1 tumor predisposition syndrome; TUMOR PREDISPOSITION SYNDROME 1; COMMON Syndrome. Identifiers: Orphanet 289539, MedGen C3280492, MONDO:0013692, OMIM 614327.

Submission:

Labcorp Genetics (formerly Invitae), Labcorp
Classification: Pathogenic for BAP1-related tumor predisposition syndrome. Last evaluated: 2025-10-06. Review status: criteria provided, single submitter. Criteria: Invitae Variant Classification Sherloc (09022015). Collection method: clinical testing. Allele origin: germline.
Comment: This sequence change creates a premature translational stop signal (p.Pro387Glnfs*43) in the BAP1 gene. It is expected to result in an absent or disrupted protein product. Loss-of-function variants in BAP1 are known to be pathogenic (PMID: 21874000, 23684012). This variant is not present in population databases (gnomAD no frequency). This variant has not been reported in the literature in individuals affected with BAP1-related conditions. ClinVar contains an entry for this variant (Variation ID: 3663145). For these reasons, this variant has been classified as Pathogenic.

Literature cited by the submitters: PubMed 21874000; PubMed 23684012.

NM_004656.4(BAP1):c.1160del (p.Pro387fs)

Gene: BAP1 (BRCA1 associated deubiquitinase 1; minus strand). Cytogenetic location: 3p21.1.
Variant type: Deletion.
Coding change: c.1160del on transcript NM_004656.4 (MANE Select); coding-DNA position 1160, one base deleted (C; older notation c.1160delC).
Protein change: p.Pro387fs; shifts the reading frame from proline 387.
Molecular consequence: frameshift variant.
Genome position (GRCh38, 1-based): chr3:52,404,543, G deleted on the plus strand (C on the coding strand, the reverse complement: BAP1 is on the minus strand); the first of 2 consecutive G bases (chr3:52,404,543-52,404,544); deleting either gives the same sequence. VCF-style (leftmost placement, unchanged base first): chr3-52404542-TG-T. GRCh37 (hg19) VCF-style: chr3-52438558-TG-T.
Other names: c.1106del, p.Pro369fs (NM_001410772.1); short protein forms P369fs, P387fs.
Identifiers: ClinVar variation 3663145 (VCV003663145.2).
Genomic context (GRCh38, chr3:52,404,542, plus strand): 5'-ATCCTCCTCGTCATCCTCATAGTCATCCTCATCATCTGAGTACTGCTGGGGTGGGCGGAC[TG>T]GAACTCGGCTGCGGCCCACACCTGCCGCCAGGTCTTCTTCCTCCTGGGACAAAGACCAGG-3'